The following is an entry in ClinVar:

NM_004371.4(COPA):c.2575G>A (p.Val859Met)

Gene: COPA (coat protein complex I subunit alpha; minus strand). Cytogenetic location: 1q23.2.
Variant type: single nucleotide variant.
Coding change: c.2575G>A on transcript NM_004371.4 (MANE Select); coding-DNA position 2575, G replaced by A.
Protein change: p.Val859Met; replaces valine 859 with methionine.
Molecular consequence: missense variant.
Genome position (GRCh38, 1-based): chr1:160,294,585, C>T on the plus strand (G>A on the coding strand, the complement: COPA is on the minus strand). VCF-style: chr1-160294585-C-T. GRCh37 (hg19) VCF-style: chr1-160264375-C-T.
Other names: c.2602G>A, p.Val868Met (NM_001098398.2); short protein forms V859M, V868M.
Identifiers: ClinVar variation 1475946 (VCV001475946.8), dbSNP rs540161688, ClinGen allele CA1197842.

ClinVar aggregate classification (germline): Uncertain significance (1 of 4 stars; one submission).

Conditions:
Autoimmune interstitial lung disease-arthritis syndrome. Also called: Autoinflammation and autoimmunity, systemic, with immune dysregulation. Identifiers: Orphanet 444092, MedGen C5975714, MONDO:0014629.

Allele frequency attached by ClinVar (database versions not stated): ExAC 0.00001; 1000 Genomes Project 30x 0.00016; 1000 Genomes Project 0.00020.
gnomAD v4.1: 2 of 1,614,192 alleles (0.00012%); highest among the groups gnomAD compares: South Asian, 0.0022%; no homozygotes.

Submission:

Labcorp Genetics (formerly Invitae), Labcorp
Classification: Uncertain significance for Autoimmune interstitial lung disease-arthritis syndrome. Last evaluated: 2020-12-22. Review status: criteria provided, single submitter. Criteria: Invitae Variant Classification Sherloc (09022015). Collection method: clinical testing. Allele origin: germline.
Comment: This sequence change replaces valine with methionine at codon 859 of the COPA protein (p.Val859Met). The valine residue is moderately conserved and there is a small physicochemical difference between valine and methionine. This variant is present in population databases (rs540161688, ExAC 0.006%). In summary, the available evidence is currently insufficient to determine the role of this variant in disease. Therefore, it has been classified as a Variant of Uncertain Significance. Advanced modeling of protein sequence and biophysical properties (such as structural, functional, and spatial information, amino acid conservation, physicochemical variation, residue mobility, and thermodynamic stability) performed at Invitae indicates that this missense variant is not expected to disrupt COPA protein function. This variant has not been reported in the literature in individuals with COPA-related conditions.